The following is an entry in ClinVar:

NM_024426.6(WT1):c.169C>G (p.Arg57Gly)

Genes: WT1 (WT1 transcription factor; minus strand), LOC107982234 (WT1/WT1-AS bi-directional promoter region; plus strand). Cytogenetic location: 11p13.
Variant type: single nucleotide variant.
Coding change: c.169C>G on transcript NM_024426.6 (MANE Select); coding-DNA position 169, C replaced by G.
Protein change: p.Arg57Gly; replaces arginine 57 with glycine.
Molecular consequence: missense variant. On other transcripts: non-coding transcript variant (1).
Genome position (GRCh38, 1-based): chr11:32,435,192, G>C on the plus strand (C>G on the coding strand, the complement: WT1 is on the minus strand). VCF-style: chr11-32435192-G-C. GRCh37 (hg19) VCF-style: chr11-32456738-G-C.
Other names: c.169C>G, p.Arg57Gly (NM_000378.6, NM_024424.5); short protein forms R57G.
Identifiers: ClinVar variation 940126 (VCV000940126.6), dbSNP rs961526551, ClinGen allele CA219511355.

ClinVar aggregate classification (germline): Uncertain significance. Review status: criteria provided, multiple submitters, no conflicts (2 of 4 stars). 2 submissions from 2 submitters: Uncertain significance (2). Last evaluated 2024-11-30.

Conditions:
Drash syndrome (DDS). Also called: WILMS TUMOR AND PSEUDO- OR TRUE HERMAPHRODITISM; NEPHROPATHY, WILMS TUMOR, AND GENITAL ANOMALIES. Identifiers: Orphanet 220, MedGen C0950121, MONDO:0008682, OMIM 194080.
Frasier syndrome. Identifiers: Orphanet 347, MedGen C0950122, MeSH D052159, MONDO:0007635, OMIM 136680.
Wilms tumor 1 (WT1). Also called: Wilms tumor, somatic. Identifiers: Orphanet 654, MedGen CN033288, MONDO:0008679, OMIM 194070.
11p partial monosomy syndrome (WAGR). Also called: WAGR syndrome; CHROMOSOME 11p13 DELETION SYNDROME; WAGR Complex; WAGR Spectrum Disorder. Identifiers: Orphanet 893, MedGen C0206115, MONDO:0008681, OMIM 194072.
Inborn genetic diseases. Identifiers: MedGen C0950123, MeSH D030342.

Allele frequency attached by ClinVar (database versions not stated): TOPMed 0.00001.
gnomAD v4.1: 14 of 1,529,094 alleles (0.00092%); highest among the groups gnomAD compares: African/African-American, 0.0014%; no homozygotes.

Submissions (2):

Ambry Genetics
Classification: Uncertain significance for Inborn genetic diseases. Last evaluated: 2024-11-30. Review status: criteria provided, single submitter. Criteria: Ambry Variant Classification Scheme 2023. Collection method: clinical testing. Allele origin: germline.
Comment: The p.R52G variant (also known as c.154C>G), located in coding exon 1 of the WT1 gene, results from a C to G substitution at nucleotide position 154. The arginine at codon 52 is replaced by glycine, an amino acid with dissimilar properties. This amino acid position is conserved. In addition, this alteration is predicted to be tolerated by in silico analysis. Based on the available evidence, the clinical significance of this variant remains unclear.

Labcorp Genetics (formerly Invitae), Labcorp
Classification: Uncertain significance for Wilms tumor 1; Drash syndrome; 11p partial monosomy syndrome; Frasier syndrome. Last evaluated: 2023-08-17. Review status: criteria provided, single submitter. Criteria: Invitae Variant Classification Sherloc (09022015). Collection method: clinical testing. Allele origin: germline.
Comment: In summary, the available evidence is currently insufficient to determine the role of this variant in disease. Therefore, it has been classified as a Variant of Uncertain Significance. An algorithm developed to predict the effect of missense changes on protein structure and function (PolyPhen-2) suggests that this variant¬†is likely to be tolerated. ClinVar contains an entry for this variant (Variation ID: 940126). This variant has not been reported in the literature in individuals affected with WT1-related conditions. This variant is not present in population databases (gnomAD no frequency). This sequence change replaces arginine, which is basic and polar, with glycine, which is neutral and non-polar, at codon 52 of the WT1 protein (p.Arg52Gly).